The following is an entry in ClinVar:

ClinVar aggregate classification (germline): Benign. Review status: criteria provided, single submitter (1 of 4 stars). 2 submissions from 1 submitter: Benign (2). Last evaluated 2018-01-13.

Conditions:
Cone-rod dystrophy 11 (CORD11). Identifiers: Orphanet 1872, MedGen C1835865, MONDO:0012483, OMIM 610381.
Age related macular degeneration 6. Identifiers: MedGen C3151060, MONDO:0013406, OMIM 613757.

Allele frequency attached by ClinVar (database versions not stated): gnomAD exomes 0.00093; gnomAD 0.02418; 1000 Genomes Project 0.02696; TOPMed 0.02734; 1000 Genomes Project 30x 0.02842.

Submissions (2):

Illumina Laboratory Services, Illumina
Classification: Benign for Age related macular degeneration 6. Last evaluated: 2018-01-13. Review status: criteria provided, single submitter. Criteria: ICSL Variant Classification Criteria 13 December 2019. Collection method: clinical testing. Allele origin: germline.
Comment: This variant was observed in the ICSL laboratory as part of a predisposition screen in an ostensibly healthy population. It had not been previously curated by ICSL or reported in the Human Gene Mutation Database (HGMD: prior to June 1st, 2018), and was therefore a candidate for classification through an automated scoring system. Utilizing variant allele frequency, disease prevalence and penetrance estimates, and inheritance mode, an automated score was calculated to assess if this variant is too frequent to cause the disease. Based on the score and internal cut-off values, a variant classified as benign is not then subjected to further curation. The score for this variant resulted in a classification of benign for this disease.

Illumina Laboratory Services, Illumina
Classification: Benign for Cone-rod dystrophy 11. Last evaluated: 2018-01-13. Review status: criteria provided, single submitter. Criteria: ICSL Variant Classification Criteria 13 December 2019. Collection method: clinical testing. Allele origin: germline.
Comment: the same text as in the submission from Illumina Laboratory Services, Illumina above.

NM_001319074.4(RAX2):c.*902G>T

Gene: RAX2 (retina and anterior neural fold homeobox 2; minus strand). Cytogenetic location: 19p13.3.
Variant type: single nucleotide variant.
Coding change: c.*902G>T on transcript NM_001319074.4 (MANE Select); 902 bases downstream of the stop codon, G replaced by T.
Molecular consequence: 3 prime UTR variant.
Genome position (GRCh38, 1-based): chr19:3,769,719, C>A on the plus strand (G>T on the coding strand, the complement: RAX2 is on the minus strand). VCF-style: chr19-3769719-C-A. GRCh37 (hg19) VCF-style: chr19-3769717-C-A.
Other names: c.*902G>T (NM_032753.4).
Identifiers: ClinVar variation 328951 (VCV000328951.5), dbSNP rs10405125, ClinGen allele CA10648603.
Genomic context (GRCh38, chr19:3,769,719, plus strand): 5'-GCCCCCTCCTGCTGCACTGGGCCAGCCGTGCTTGCCAGTCCCAGCGGGTTCTCGGCCCCG[C>A]GACAGCCTCCTTGCTCAGAGCTCTTGGGCGATGCGGCTGGGTTGGACAGAGCAGATGCTG-3'